The following is an entry in ClinVar:

ClinVar aggregate classification (germline): Uncertain significance. Review status: criteria provided, multiple submitters, no conflicts (2 of 4 stars). 2 submissions from 2 submitters: Uncertain significance (2). Last evaluated 2025-07-19.

Conditions:
Inborn genetic diseases. Identifiers: MedGen C0950123, MeSH D030342.

Submissions (2):

Labcorp Genetics (formerly Invitae), Labcorp
Classification: Uncertain significance. Last evaluated: 2025-07-19. Review status: criteria provided, single submitter. Criteria: Invitae Variant Classification Sherloc (09022015). Collection method: clinical testing. Allele origin: germline.
Comment: This sequence change replaces leucine, which is neutral and non-polar, with arginine, which is basic and polar, at codon 1056 of the NLRP1 protein (p.Leu1056Arg). This variant is not present in population databases (gnomAD no frequency). This variant has not been reported in the literature in individuals affected with NLRP1-related conditions. ClinVar contains an entry for this variant (Variation ID: 3200519). An algorithm developed to predict the effect of missense changes on protein structure and function (PolyPhen-2) suggests that this variant is likely to be tolerated. In summary, the available evidence is currently insufficient to determine the role of this variant in disease. Therefore, it has been classified as a Variant of Uncertain Significance.

Ambry Genetics
Classification: Uncertain significance for Inborn genetic diseases. Last evaluated: 2023-10-10. Review status: criteria provided, single submitter. Criteria: Ambry Variant Classification Scheme 2023. Collection method: clinical testing. Allele origin: germline.

NM_033004.4(NLRP1):c.3167T>G (p.Leu1056Arg)

Gene: NLRP1 (NLR family pyrin domain containing 1; minus strand). Cytogenetic location: 17p13.2.
Variant type: single nucleotide variant.
Coding change: c.3167T>G on transcript NM_033004.4 (MANE Select); coding-DNA position 3167, T replaced by G.
Protein change: p.Leu1056Arg; replaces leucine 1056 with arginine.
Molecular consequence: missense variant.
Genome position (GRCh38, 1-based): chr17:5,532,951, A>C on the plus strand (T>G on the coding strand, the complement: NLRP1 is on the minus strand). VCF-style: chr17-5532951-A-C. GRCh37 (hg19) VCF-style: chr17-5436271-A-C.
Other names: c.3179T>G, p.Leu1060Arg (NM_001033053.3); c.3167T>G, p.Leu1056Arg (NM_014922.5); c.3077T>G, p.Leu1026Arg (NM_033006.4, NM_033007.4); short protein forms L1026R, L1060R, L1056R.
Identifiers: ClinVar variation 3200519 (VCV003200519.2), dbSNP rs1031810744, ClinGen allele CA287286519.